The following is an entry in ClinVar:

NM_000548.5(TSC2):c.2756A>T (p.Asn919Ile)

Gene: TSC2 (TSC complex subunit 2; plus strand). Cytogenetic location: 16p13.3.
Variant type: single nucleotide variant.
Coding change: c.2756A>T on transcript NM_000548.5 (MANE Select); coding-DNA position 2756, A replaced by T.
Protein change: p.Asn919Ile; replaces asparagine 919 with isoleucine.
Molecular consequence: missense variant.
Genome position (GRCh38, 1-based): chr16:2,076,504, A>T. VCF-style: chr16-2076504-A-T. GRCh37 (hg19) VCF-style: chr16-2126505-A-T.
Other names: c.2756A>T, p.Asn919Ile (NM_001077183.3, NM_001114382.3, NM_001363528.2 and 3 more transcripts); c.2645A>T, p.Asn882Ile (NM_001318827.2); c.2609A>T, p.Asn870Ile (NM_001318829.2); c.2156A>T, p.Asn719Ile (NM_001318831.2); c.2789A>T, p.Asn930Ile (NM_001318832.2); short protein forms N870I, N919I, N719I, N882I, N930I.
Identifiers: ClinVar variation 940315 (VCV000940315.9), dbSNP rs780057014, ClinGen allele CA394279819.

ClinVar aggregate classification (germline): Uncertain significance. Review status: criteria provided, multiple submitters, no conflicts (2 of 4 stars). 2 submissions from 2 submitters: Uncertain significance (2). Last evaluated 2025-07-24.

Conditions:
Tuberous sclerosis syndrome (TSC). Also called: Tuberous sclerosis; Tuberous Sclerosis Complex. Identifiers: Orphanet 805, MedGen C0041341, MONDO:0001734.
Tuberous sclerosis 2 (TSC2). Identifiers: Orphanet 805, MedGen C1860707, MONDO:0013199, OMIM 613254.

Submissions (2):

Color Diagnostics, LLC DBA Color Health
Classification: Uncertain significance for Tuberous sclerosis syndrome. Last evaluated: 2025-07-24. Review status: criteria provided, single submitter. Criteria: ACMG Guidelines, 2015. Collection method: clinical testing. Allele origin: germline.
Comment: This missense variant replaces asparagine with isoleucine at codon 919 of the TSC2 protein. Computational prediction suggests that this variant may have deleterious impact on protein structure and function. To our knowledge, functional studies have not been reported for this variant. This variant has not been reported in individuals affected with TSC2-related disorders in the literature. This variant has not been identified in the general population by the Genome Aggregation Database (gnomAD). The available evidence is insufficient to determine the role of this variant in disease conclusively. Therefore, this variant is classified as a Variant of Uncertain Significance.

Labcorp Genetics (formerly Invitae), Labcorp
Classification: Uncertain significance for Tuberous sclerosis 2. Last evaluated: 2019-09-01. Review status: criteria provided, single submitter. Criteria: Invitae Variant Classification Sherloc (09022015). Collection method: clinical testing. Allele origin: germline.
Comment: This sequence change replaces asparagine with isoleucine at codon 919 of the TSC2 protein (p.Asn919Ile). The asparagine residue is highly conserved and there is a large physicochemical difference between asparagine and isoleucine. This variant is not present in population databases (ExAC no frequency). This variant has not been reported in the literature in individuals with TSC2-related conditions. Algorithms developed to predict the effect of missense changes on protein structure and function are either unavailable or do not agree on the potential impact of this missense change (SIFT: "Deleterious"; PolyPhen-2: "Probably Damaging"; Align-GVGD: "Class C15"). In summary, the available evidence is currently insufficient to determine the role of this variant in disease. Therefore, it has been classified as a Variant of Uncertain Significance.